The following is an entry in ClinVar:

ClinVar aggregate classification (germline): Uncertain significance. Review status: criteria provided, multiple submitters, no conflicts (2 of 4 stars). 2 submissions from 2 submitters: Uncertain significance (2). Last evaluated 2022-08-23.

Conditions:
TH-deficient dopa-responsive dystonia. Also called: DYT-TH; Segawa syndrome, autosomal recessive; Tyrosine Hydroxylase-Deficient Dopa-Responsive Dystonia. Identifiers: Orphanet 101150, MedGen C2673535, MONDO:0011551, OMIM 605407.

Allele frequency attached by ClinVar (database versions not stated): gnomAD exomes 0.00001; TOPMed below 0.00001.
gnomAD v4.1: 8 of 1,610,366 alleles (0.0005%); highest among the groups gnomAD compares: Non-Finnish European, 0.00068%; no homozygotes.

Submissions (2):

Labcorp Genetics (formerly Invitae), Labcorp
Classification: Uncertain significance for TH-deficient dopa-responsive dystonia. Last evaluated: 2022-08-23. Review status: criteria provided, single submitter. Criteria: Invitae Variant Classification Sherloc (09022015). Collection method: clinical testing. Allele origin: germline.
Comment: This sequence change replaces glutamine, which is neutral and polar, with glutamic acid, which is acidic and polar, at codon 70 of the TH protein (p.Gln70Glu). This variant is not present in population databases (gnomAD no frequency). This variant has not been reported in the literature in individuals affected with TH-related conditions. ClinVar contains an entry for this variant (Variation ID: 304085). Advanced modeling of protein sequence and biophysical properties (such as structural, functional, and spatial information, amino acid conservation, physicochemical variation, residue mobility, and thermodynamic stability) performed at Invitae indicates that this missense variant is not expected to disrupt TH protein function. In summary, the available evidence is currently insufficient to determine the role of this variant in disease. Therefore, it has been classified as a Variant of Uncertain Significance.

Illumina Laboratory Services, Illumina
Classification: Uncertain significance for TH-deficient dopa-responsive dystonia. Last evaluated: 2018-01-13. Review status: criteria provided, single submitter. Criteria: ICSL Variant Classification Criteria 13 December 2019. Collection method: clinical testing. Allele origin: germline.

NM_000360.4(TH):c.115C>G (p.Gln39Glu)

Gene: TH (tyrosine hydroxylase; minus strand). Cytogenetic location: 11p15.5.
Variant type: single nucleotide variant.
Coding change: c.115C>G on transcript NM_000360.4 (MANE Select); coding-DNA position 115, C replaced by G.
Protein change: p.Gln39Glu; replaces glutamine 39 with glutamic acid.
Molecular consequence: missense variant.
Genome position (GRCh38, 1-based): chr11:2,169,847, G>C on the plus strand (C>G on the coding strand, the complement: TH is on the minus strand). VCF-style: chr11-2169847-G-C. GRCh37 (hg19) VCF-style: chr11-2191077-G-C.
Other names: c.208C>G, p.Gln70Glu (NM_199292.3); c.196C>G, p.Gln66Glu (NM_199293.3); short protein forms Q70E, Q39E, Q66E.
Identifiers: ClinVar variation 304085 (VCV000304085.9), dbSNP rs886048115, ClinGen allele CA10638157.
Genomic context (GRCh38, chr11:2,169,847, plus strand): 5'-CAGCGGCCGCTGCTGCCACCGCCGCCTCCCGCTCCTTGCGGGCGTCCTCGATGAGGCTCT[G>C]CCTGCGCCCAATGAACCGCGGGGACTGTGGGGACAAGGGGCACCCATGCCTCCTCCACCT-3'
Protein context (NP_000351.2, residues 29-49): IMSPRFIGRR[Gln39Glu]SLIEDARKER